The following is an entry in ClinVar:

NM_024996.7(GFM1):c.748C>T (p.Arg250Trp)

Gene: GFM1 (G elongation factor mitochondrial 1; plus strand). Cytogenetic location: 3q25.32.
Variant type: single nucleotide variant.
Coding change: c.748C>T on transcript NM_024996.7 (MANE Select); coding-DNA position 748, C replaced by T.
Protein change: p.Arg250Trp; replaces arginine 250 with tryptophan.
Molecular consequence: missense variant. On other transcripts: non-coding transcript variant (4).
Genome position (GRCh38, 1-based): chr3:158,652,154, C>T. VCF-style: chr3-158652154-C-T. GRCh37 (hg19) VCF-style: chr3-158369943-C-T.
Other names: c.805C>T, p.Arg269Trp (NM_001308164.2, NM_001374355.1); c.748C>T, p.Arg250Trp (NM_001308166.2); c.631C>T, p.Arg211Trp (NM_001374356.1); c.523C>T, p.Arg175Trp (NM_001374357.1); c.289C>T, p.Arg97Trp (NM_001374358.1); c.181C>T, p.Arg61Trp (NM_001374359.1, NM_001374360.1); c.64C>T, p.Arg22Trp (NM_001374361.1); short protein forms R250W, R269W, R175W, R211W, R22W, R61W, R97W.
Identifiers: ClinVar variation 30598 (VCV000030598.24), dbSNP rs139430866, ClinGen allele CA210569.

ClinVar aggregate classification (germline): Pathogenic/Likely pathogenic. Review status: criteria provided, multiple submitters, no conflicts (2 of 4 stars). 11 submissions from 11 submitters: Pathogenic (6); Likely pathogenic (3). 2 of the submissions do not count toward it. Last evaluated 2025-12-19.

Conditions:
GFM1-related disorders.
Combined oxidative phosphorylation deficiency. Identifiers: MedGen C4540031, MONDO:0000732.
Hepatoencephalopathy due to combined oxidative phosphorylation defect type 1. Also called: HEPATOENCEPHALOPATHY, EARLY FATAL PROGRESSIVE. Identifiers: Orphanet 137681, MedGen C1836797, MONDO:0012191, OMIM 609060.

Allele frequency attached by ClinVar (database versions not stated): gnomAD 0.00001; gnomAD exomes 0.00004; ESP Exome Variant Server 0.00008; TOPMed 0.00001; ExAC 0.00003.

Submissions (11):

Natera, Inc.
Classification: Pathogenic for Combined oxidative phosphorylation deficiency 1. Last evaluated: 2025-12-19. Review status: criteria provided, single submitter. Criteria: Natera Variant Classification Schema (03/2026). Collection method: clinical testing. Allele origin: germline.
Comment: The c.748C>T variant in GFM1 is a missense variant predicted to cause substitution of arginine to tryptophan at amino acid 250. This variant is rare in the general population with a frequency below the threshold expected for the associated phenotype(s). This variant has been observed in one or more individuals affected with the associated recessive disease, as either homozygous or compound heterozygous with a second variant (PMID: 21119709, 28216230, 38204316). Additionally, this variant has been observed to segregate in affected family members (PMID: 28216230). Functional studies show that this variant may disrupt protein function (PMID: 21119709). Computational prediction algorithms indicate this variant is likely to affect gene or protein function. Given the available evidence, this variant is classified as Pathogenic.

Labcorp Genetics (formerly Invitae), Labcorp
Classification: Pathogenic. Last evaluated: 2025-03-17. Review status: criteria provided, single submitter. Criteria: Invitae Variant Classification Sherloc (09022015). Collection method: clinical testing. Allele origin: germline.
Comment: This sequence change replaces arginine, which is basic and polar, with tryptophan, which is neutral and slightly polar, at codon 250 of the GFM1 protein (p.Arg250Trp). This variant is present in population databases (rs139430866, gnomAD 0.009%). This missense change has been observed in individual(s) with GFM1-related disease (PMID: 21119709, 28216230). It has also been observed to segregate with disease in related individuals. ClinVar contains an entry for this variant (Variation ID: 30598). Invitae Evidence Modeling of protein sequence and biophysical properties (such as structural, functional, and spatial information, amino acid conservation, physicochemical variation, residue mobility, and thermodynamic stability) has been performed for this missense variant. However, the output from this modeling did not meet the statistical confidence thresholds required to predict the impact of this variant on GFM1 protein function. For these reasons, this variant has been classified as Pathogenic.

Fulgent Genetics
Classification: Pathogenic for Hepatoencephalopathy due to combined oxidative phosphorylation defect type 1. Last evaluated: 2024-05-17. Review status: criteria provided, single submitter. Criteria: ACMG Guidelines, 2015. Collection method: clinical testing. Allele origin: germline.

Blueprint Genetics
Classification: Likely pathogenic for GFM1-related disorders. Last evaluated: 2024-01-29. Review status: criteria provided, single submitter. Criteria: ACMG Guidelines, 2015. Collection method: clinical testing. Allele origin: germline. Affected: yes. Observed: 5 variant alleles.

Women's Health and Genetics/Laboratory Corporation of America, LabCorp
Classification: Pathogenic for Hepatoencephalopathy due to combined oxidative phosphorylation defect type 1. Last evaluated: 2023-07-26. Review status: criteria provided, single submitter. Criteria: LabCorp Variant Classification Summary - May 2015. Collection method: clinical testing. Allele origin: germline.
Comment: Variant summary: GFM1 c.748C>T (p.Arg250Trp) results in a non-conservative amino acid change located in the Translational (tr)-type GTP-binding domain (IPR000795) of the encoded protein sequence. Five of five in-silico tools predict a damaging effect of the variant on protein function. The variant allele was found at a frequency of 4e-05 in 251440 control chromosomes in gnomAD. This frequency is not significantly higher than estimated for a pathogenic variant in GFM1 causing Combined Oxidative Phosphorylation Deficiency 1 (4e-05 vs 0.0011), allowing no conclusion about variant significance. c.748C>T has been reported in the literature in individuals affected with features of Combined Oxidative Phosphorylation Deficiency 1, including in trans with another disease-causing variant in at-least two siblings and in the homozygous state in at-least one affected individual (example: Smits_2011, Simon_2017). These data indicate that the variant is likely to be associated with disease. At least one publication reports experimental evidence evaluating an impact on protein function. The most pronounced variant effect results in absence of normal GFM1 protein in fibroblasts from patients, which can be rescued by over-expressing normal GFM1 (Smits_2011). The following publications have been ascertained in the context of this evaluation (PMID: 28216230, 21119709). Six submitters have cited clinical-significance assessments for this variant to ClinVar after 2014 (pathogenic: n=3; likely pathogenic: n=3). Based on the evidence outlined above, the variant was classified as pathogenic.

GeneDx
Classification: Likely pathogenic. Last evaluated: 2023-06-27. Review status: criteria provided, single submitter. Criteria: GeneDx Variant Classification Process June 2021. Collection method: clinical testing. Allele origin: germline. Affected: yes.
Comment: Not observed at significant frequency in large population cohorts (gnomAD); In silico analysis supports that this missense variant has a deleterious effect on protein structure/function; This variant is associated with the following publications: (PMID: 34426522, 21119709, 34277617, 28216230)

Department of Pathology and Laboratory Medicine, Sinai Health System
Classification: Likely pathogenic for Hepatoencephalopathy due to combined oxidative phosphorylation defect type 1. Last evaluated: 2023-05-01. Review status: criteria provided, single submitter. Criteria: ACMG Guidelines, 2015. Collection method: research. Allele origin: germline.

Center for Personalized Medicine, Children's Hospital Los Angeles
Classification: Pathogenic. Last evaluated: 2022-12-21. Review status: criteria provided, single submitter. Criteria: ACMG Guidelines, 2015. Collection method: clinical testing. Allele origin: inherited. Affected: yes.

Institute of Human Genetics Munich, TUM University Hospital
Classification: Pathogenic for Hepatoencephalopathy due to combined oxidative phosphorylation defect type 1. Last evaluated: 2017-11-08. Review status: criteria provided, single submitter. Criteria: Classification criteria August 2017. Collection method: clinical testing. Allele origin: germline. Inheritance: Autosomal recessive inheritance. Affected: yes. Observed: 1 compound heterozygote, 1 homozygote.

University of Washington Center for Mendelian Genomics, University of Washington
Classification: Likely pathogenic for combined oxidative phosphorylation deficiency. Last evaluated: 2017-05-25. Review status: no assertion criteria provided. Collection method: research. Allele origin: unknown. Affected: yes. Observed: 1 heterozygote, 1 compound heterozygote. Not counted in ClinVar's aggregate classification.

OMIM
Classification: Pathogenic for COMBINED OXIDATIVE PHOSPHORYLATION DEFICIENCY 1. Last evaluated: 2011-03-01. Review status: no assertion criteria provided. Collection method: literature only. Allele origin: germline. Not counted in ClinVar's aggregate classification.

Literature cited by the submitters: PubMed 21119709 (cited by 4 submitters); PubMed 28216230 (cited by 4 submitters); PubMed 38204316 (cited by Natera, Inc.).